The following is an entry in ClinVar:

NM_002755.4(MAP2K1):c.517-230A>C

Gene: MAP2K1 (mitogen-activated protein kinase kinase 1; plus strand). Cytogenetic location: 15q22.31.
Variant type: single nucleotide variant.
Coding change: c.517-230A>C on transcript NM_002755.4 (MANE Select); 230 bases into the intron before coding-DNA position 517, A replaced by C.
Molecular consequence: intron variant.
Genome position (GRCh38, 1-based): chr15:66,444,426, A>C. VCF-style: chr15-66444426-A-C. GRCh37 (hg19) VCF-style: chr15-66736764-A-C.
Identifiers: ClinVar variation 561628 (VCV000561628.1), dbSNP rs141721809, ClinGen allele CA271648574.

ClinVar aggregate classification (germline): Likely benign (1 of 4 stars; one submission).

Allele frequency attached by ClinVar (database versions not stated): gnomAD 0.00672 and 0.01045; TOPMed 0.01353; 1000 Genomes Project 0.02875.
gnomAD v4.1: 1,499 of 144,026 alleles (1%); highest among the groups gnomAD compares: East Asian, 6.6%; 54 homozygotes.

Submission:

GeneDx
Classification: Likely benign. Last evaluated: 2018-06-14. Review status: criteria provided, single submitter. Criteria: GeneDx Variant Classification (06012015). Collection method: clinical testing. Allele origin: germline. Affected: yes.
Comment: This variant is considered likely benign or benign based on one or more of the following criteria: it is a conservative change, it occurs at a poorly conserved position in the protein, it is predicted to be benign by multiple in silico algorithms, and/or has population frequency not consistent with disease.